The following is an entry in ClinVar:

NM_001378687.1(ATP2C1):c.2385G>A (p.Trp795Ter)

Gene: ATP2C1 (ATPase secretory pathway Ca2+ transporting 1; plus strand). Cytogenetic location: 3q22.1.
Variant type: single nucleotide variant.
Coding change: c.2385G>A on transcript NM_001378687.1 (MANE Select); coding-DNA position 2385, G replaced by A.
Protein change: p.Trp795Ter; replaces tryptophan 795 with a stop codon.
Molecular consequence: nonsense.
Genome position (GRCh38, 1-based): chr3:130,997,747, G>A. VCF-style: chr3-130997747-G-A. GRCh37 (hg19) VCF-style: chr3-130716591-G-A.
Other names: c.2370G>A, p.Trp790Ter (NM_001199182.2); c.2337G>A, p.Trp779Ter (NM_001199183.2, NM_001199184.3, NM_001378514.1); c.2385G>A, p.Trp795Ter (NM_001199185.2, NM_001378512.1, NM_001378513.1 and 5 more transcripts); c.2487G>A, p.Trp829Ter (NM_001378511.1, NM_001199181.3, NM_001199180.2); short protein forms W790*, W795*, W829*, W779*.
Identifiers: ClinVar variation 3718604 (VCV003718604.2).

ClinVar aggregate classification (germline): Pathogenic (1 of 4 stars; one submission).

Submission:

Labcorp Genetics (formerly Invitae), Labcorp
Classification: Pathogenic. Last evaluated: 2024-04-11. Review status: criteria provided, single submitter. Criteria: Invitae Variant Classification Sherloc (09022015). Collection method: clinical testing. Allele origin: germline.
Comment: This sequence change creates a premature translational stop signal (p.Trp795*) in the ATP2C1 gene. It is expected to result in an absent or disrupted protein product. Loss-of-function variants in ATP2C1 are known to be pathogenic (PMID: 10615129, 10767338, 11841554). This variant is not present in population databases (gnomAD no frequency). This premature translational stop signal has been observed in individual(s) with Hailey–Hailey disease (PMID: 33345454). For these reasons, this variant has been classified as Pathogenic.

Literature cited by the submitters: PubMed 10615129; PubMed 10767338; PubMed 11841554; PubMed 33345454.